The following is an entry in ClinVar:

ClinVar aggregate classification (germline): Uncertain significance (1 of 4 stars; one submission).

Allele frequency attached by ClinVar (database versions not stated): gnomAD exomes below 0.00001; ExAC 0.00001; gnomAD 0.00001; TOPMed 0.00001.
gnomAD v4.1: 6 of 1,614,032 alleles (0.00037%); highest among the groups gnomAD compares: African/African-American, 0.0013%; no homozygotes.

Submission:

Laboratory for Molecular Medicine, Mass General Brigham Personalized Medicine
Classification: Uncertain significance. Last evaluated: 2015-01-21. Review status: criteria provided, single submitter. Criteria: LMM Criteria. Collection method: clinical testing. Allele origin: germline. Observed: 1 variant allele.
Comment: Variant classified as Uncertain Significance - Favor Benign. The p.Asp334Asn var iant in TMPRSS3 has not been previously reported in individuals with hearing los s, but was identified in 1/66272 European chromosomes by the Exome Aggregation C onsortium (ExAC). Aspartic acid (Asp) at positio n 334 is conserved in most mammals, but not evolutionarily distant species, and elephants carry an asparagine (Asn) at this position, suggesting that this chang e may be tolerated. Additional computational prediction tools do not provide str ong support for or against an impact to the protein. In summary, while the clini cal significance of the p.Asp334Asn variant is uncertain, the amino acid conserv ation data suggests that it is more likely to be benign.

NM_001256317.3(TMPRSS3):c.1000G>A (p.Asp334Asn)

Gene: TMPRSS3 (transmembrane serine protease 3; minus strand). Cytogenetic location: 21q22.3.
Variant type: single nucleotide variant.
Coding change: c.1000G>A on transcript NM_001256317.3 (MANE Select); coding-DNA position 1000, G replaced by A.
Protein change: p.Asp334Asn; replaces aspartic acid 334 with asparagine.
Molecular consequence: missense variant.
Genome position (GRCh38, 1-based): chr21:42,380,165, C>T on the plus strand (G>A on the coding strand, the complement: TMPRSS3 is on the minus strand). VCF-style: chr21-42380165-C-T. GRCh37 (hg19) VCF-style: chr21-43800274-C-T.
Other names: c.1000G>A, p.Asp334Asn (NM_024022.4); c.619G>A, p.Asp207Asn (NM_032404.3); short protein forms D334N, D207N.
Identifiers: ClinVar variation 229323 (VCV000229323.5), dbSNP rs776873836, ClinGen allele CA10042378.